The following is an entry in ClinVar:

NM_033100.4(CDHR1):c.1865T>C (p.Ile622Thr)

Gene: CDHR1 (cadherin related family member 1; plus strand). Cytogenetic location: 10q23.1.
Variant type: single nucleotide variant.
Coding change: c.1865T>C on transcript NM_033100.4 (MANE Select); coding-DNA position 1865, T replaced by C.
Protein change: p.Ile622Thr; replaces isoleucine 622 with threonine.
Molecular consequence: missense variant.
Genome position (GRCh38, 1-based): chr10:84,213,173, T>C. VCF-style: chr10-84213173-T-C. GRCh37 (hg19) VCF-style: chr10-85972929-T-C.
Other names: c.1865T>C, p.Ile622Thr (NM_001171971.3); short protein forms I622T.
Identifiers: ClinVar variation 1027004 (VCV001027004.6), dbSNP rs751955295, ClinGen allele CA377378422.

ClinVar aggregate classification (germline): Uncertain significance (1 of 4 stars; one submission).

Allele frequency attached by ClinVar (database versions not stated): gnomAD exomes below 0.00001.

Submission:

Labcorp Genetics (formerly Invitae), Labcorp
Classification: Uncertain significance. Last evaluated: 2020-05-08. Review status: criteria provided, single submitter. Criteria: Invitae Variant Classification Sherloc (09022015). Collection method: clinical testing. Allele origin: germline.
Comment: This variant has not been reported in the literature in individuals with CDHR1-related conditions. In summary, the available evidence is currently insufficient to determine the role of this variant in disease. Therefore, it has been classified as a Variant of Uncertain Significance. Algorithms developed to predict the effect of missense changes on protein structure and function are either unavailable or do not agree on the potential impact of this missense change (SIFT: "Deleterious"; PolyPhen-2: "Probably Damaging"; Align-GVGD: "Class C0"). This variant is not present in population databases (ExAC no frequency). This sequence change replaces isoleucine with threonine at codon 622 of the CDHR1 protein (p.Ile622Thr). The isoleucine residue is highly conserved and there is a moderate physicochemical difference between isoleucine and threonine.